The following is an entry in ClinVar:

ClinVar aggregate classification (germline): Uncertain significance (1 of 4 stars; one submission).

Conditions:
Hereditary spastic paraplegia 11. Also called: Nakamura Osame syndrome; Autosomal recessive hereditary spastic paraplegia, mental impairment, and thin corpus callosum; SPASTIC PARAPLEGIA, AUTOSOMAL RECESSIVE, COMPLICATED, WITH THIN CORPUS CALLOSUM; SPASTIC PARAPLEGIA, AUTOSOMAL RECESSIVE, WITH MENTAL IMPAIRMENT AND THIN CORPUS CALLOSUM; Spastic paraplegia, mental retardation and thin corpus callosum; Spastic Paraplegia 11. Identifiers: Orphanet 2822, MedGen C1858479, MONDO:0011445, OMIM 604360.

Allele frequency attached by ClinVar (database versions not stated): TOPMed 0.00001.
gnomAD v4.1: 1 of 1,614,098 alleles (0.000062%); highest among the groups gnomAD compares: African/African-American, 0.0013%; no homozygotes.

Submission:

Labcorp Genetics (formerly Invitae), Labcorp
Classification: Uncertain significance for Hereditary spastic paraplegia 11. Last evaluated: 2020-09-29. Review status: criteria provided, single submitter. Criteria: Invitae Variant Classification Sherloc (09022015). Collection method: clinical testing. Allele origin: germline.
Comment: This sequence change replaces serine with arginine at codon 1533 of the SPG11 protein (p.Ser1533Arg). The serine residue is moderately conserved and there is a moderate physicochemical difference between serine and arginine. This variant is not present in population databases (ExAC no frequency). This variant has not been reported in the literature in individuals with SPG11-related conditions. ClinVar contains an entry for this variant (Variation ID: 847973). Algorithms developed to predict the effect of missense changes on protein structure and function are either unavailable or do not agree on the potential impact of this missense change (SIFT: "Tolerated"; PolyPhen-2: "Possibly Damaging"; Align-GVGD: "Class C0"). In summary, the available evidence is currently insufficient to determine the role of this variant in disease. Therefore, it has been classified as a Variant of Uncertain Significance.

NM_025137.4(SPG11):c.4599C>G (p.Ser1533Arg)

Gene: SPG11 (SPG11 vesicle trafficking associated, spatacsin; minus strand). Cytogenetic location: 15q21.1.
Variant type: single nucleotide variant.
Coding change: c.4599C>G on transcript NM_025137.4 (MANE Select); coding-DNA position 4599, C replaced by G.
Protein change: p.Ser1533Arg; replaces serine 1533 with arginine.
Molecular consequence: missense variant.
Genome position (GRCh38, 1-based): chr15:44,595,295, G>C on the plus strand (C>G on the coding strand, the complement: SPG11 is on the minus strand). VCF-style: chr15-44595295-G-C. GRCh37 (hg19) VCF-style: chr15-44887493-G-C.
Other names: c.4599C>G, p.Ser1533Arg (NM_001160227.2); short protein forms S1533R.
Identifiers: ClinVar variation 847973 (VCV000847973.8), dbSNP rs758762845, ClinGen allele CA270091189.